The following is an entry in ClinVar:

NM_018076.5(ODAD2):c.937-8A>C

Gene: ODAD2 (outer dynein arm docking complex subunit 2; minus strand). Cytogenetic location: 10p12.1.
Variant type: single nucleotide variant.
Coding change: c.937-8A>C on transcript NM_018076.5 (MANE Select); 8 bases into the intron before coding-DNA position 937, A replaced by C.
Molecular consequence: intron variant.
Genome position (GRCh38, 1-based): chr10:27,971,321, T>G on the plus strand (A>C on the coding strand, the complement: ODAD2 is on the minus strand). VCF-style: chr10-27971321-T-G. GRCh37 (hg19) VCF-style: chr10-28260250-T-G.
Other names: c.937-8A>C (NM_001290020.2); c.13-8A>C (NM_001312689.2); c.-187-9606A>C (NM_001290021.2).
Identifiers: ClinVar variation 3058289 (VCV003058289.2), dbSNP rs2494155504, ClinGen allele CA2608647600.
Genomic context (GRCh38, chr10:27,971,321, plus strand): 5'-GCTTTGCCAAGCTGATCCTTTTCCTTTTGCTGGTCTTCACTGAAGCTAATTCCCTTTATT[T>G]AAAAAATGAGAATAATTTTTAATGATATCTGAATTATCTAGTGTTCTCTGAAGATTAATG-3'

ClinVar aggregate classification (germline): Likely benign (0 of 4 stars; one submission).

Conditions:
ODAD2-related disorder. Also called: ODAD2-related condition.

Submission:

PreventionGenetics, part of Exact Sciences
Classification: Likely benign for ODAD2-related condition. Last evaluated: 2019-03-20. Review status: no assertion criteria provided. Collection method: clinical testing. Allele origin: germline.
Comment: This variant is classified as likely benign based on ACMG/AMP sequence variant interpretation guidelines (Richards et al. 2015 PMID: 25741868, with internal and published modifications).